The following is an entry in ClinVar:

NM_005876.5(SPEG):c.5200G>A (p.Glu1734Lys)

Gene: SPEG (striated muscle enriched protein kinase; plus strand). Cytogenetic location: 2q35.
Variant type: single nucleotide variant.
Coding change: c.5200G>A on transcript NM_005876.5 (MANE Select); coding-DNA position 5200, G replaced by A.
Protein change: p.Glu1734Lys; replaces glutamic acid 1734 with lysine.
Molecular consequence: missense variant.
Genome position (GRCh38, 1-based): chr2:219,479,998, G>A. VCF-style: chr2-219479998-G-A. GRCh37 (hg19) VCF-style: chr2-220344720-G-A.
Other names: short protein forms E1734K.
Identifiers: ClinVar variation 1416770 (VCV001416770.4), dbSNP rs375882609, ClinGen allele CA2126771.

ClinVar aggregate classification (germline): Uncertain significance (1 of 4 stars; one submission).

Allele frequency attached by ClinVar (database versions not stated): ExAC 0.00001; gnomAD 0.00001 and 0.00003; TOPMed 0.00003; ESP Exome Variant Server 0.00008; 1000 Genomes Project 30x 0.00016; 1000 Genomes Project 0.00020.
gnomAD v4.1: 7 of 1,614,154 alleles (0.00043%); highest among the groups gnomAD compares: African/African-American, 0.004%; no homozygotes.

Submission:

Labcorp Genetics (formerly Invitae), Labcorp
Classification: Uncertain significance. Last evaluated: 2022-11-29. Review status: criteria provided, single submitter. Criteria: Invitae Variant Classification Sherloc (09022015). Collection method: clinical testing. Allele origin: germline.
Comment: ClinVar contains an entry for this variant (Variation ID: 1416770). In summary, the available evidence is currently insufficient to determine the role of this variant in disease. Therefore, it has been classified as a Variant of Uncertain Significance. Algorithms developed to predict the effect of missense changes on protein structure and function (SIFT, PolyPhen-2, Align-GVGD) all suggest that this variant is likely to be tolerated. This variant has not been reported in the literature in individuals affected with SPEG-related conditions. This variant is not present in population databases (gnomAD no frequency). This sequence change replaces glutamic acid, which is acidic and polar, with lysine, which is basic and polar, at codon 1734 of the SPEG protein (p.Glu1734Lys).